The following is an entry in ClinVar:

ClinVar aggregate classification (germline): Conflicting classifications of pathogenicity. Review status: criteria provided, conflicting classifications (1 of 4 stars). 2 submissions from 2 submitters: Uncertain significance (1); Likely benign (1). Last evaluated 2025-12-04.

Conditions:
Inborn genetic diseases. Identifiers: MedGen C0950123, MeSH D030342.
Schuurs-Hoeijmakers syndrome. Also called: PACS1-Related Neurodevelopmental Disorder. Identifiers: Orphanet 329224, MedGen C3554343, MONDO:0014006, OMIM 615009.

Allele frequency attached by ClinVar (database versions not stated): gnomAD exomes below 0.00001; gnomAD 0.00007; ExAC 0.00002; TOPMed 0.00006.
gnomAD v4.1: 15 of 1,613,904 alleles (0.00093%); highest among the groups gnomAD compares: African/African-American, 0.02%; no homozygotes.

Submissions (2):

Ambry Genetics
Classification: Likely benign for Inborn genetic diseases. Last evaluated: 2025-12-04. Review status: criteria provided, single submitter. Criteria: Ambry Variant Classification Scheme 2023. Collection method: clinical testing. Allele origin: germline.

Labcorp Genetics (formerly Invitae), Labcorp
Classification: Uncertain significance for Schuurs-Hoeijmakers syndrome. Last evaluated: 2024-03-16. Review status: criteria provided, single submitter. Criteria: Invitae Variant Classification Sherloc (09022015). Collection method: clinical testing. Allele origin: germline.
Comment: This sequence change affects codon 400 of the PACS1 mRNA. It is a 'silent' change, meaning that it does not change the encoded amino acid sequence of the PACS1 protein. It affects a nucleotide within the consensus splice site. This variant is present in population databases (rs757141627, gnomAD 0.03%). This variant has not been reported in the literature in individuals affected with PACS1-related conditions. ClinVar contains an entry for this variant (Variation ID: 2415950). Algorithms developed to predict the effect of sequence changes on RNA splicing suggest that this variant is not likely to affect RNA splicing. In summary, the available evidence is currently insufficient to determine the role of this variant in disease. Therefore, it has been classified as a Variant of Uncertain Significance.

NM_018026.4(PACS1):c.1200G>A (p.Lys400=)

Gene: PACS1 (phosphofurin acidic cluster sorting protein 1; plus strand). Cytogenetic location: 11q13.2.
Variant type: single nucleotide variant.
Coding change: c.1200G>A on transcript NM_018026.4 (MANE Select); coding-DNA position 1200, G replaced by A.
Protein change: p.Lys400=; no amino-acid change (lysine 400 retained).
Molecular consequence: synonymous variant.
Genome position (GRCh38, 1-based): chr11:66,221,154, G>A. VCF-style: chr11-66221154-G-A. GRCh37 (hg19) VCF-style: chr11-65988625-G-A.
Other names: c.1200G>A (NM_018026.2).
Identifiers: ClinVar variation 2415950 (VCV002415950.6), dbSNP rs757141627, ClinGen allele CA6116505.